The following is an entry in ClinVar:

ClinVar aggregate classification (germline): Uncertain significance (1 of 4 stars; one submission).

Allele frequency attached by ClinVar (database versions not stated): gnomAD 0.00001; gnomAD exomes 0.00002; TOPMed 0.00002; ExAC 0.00007; ESP Exome Variant Server 0.00015.

Submission:

Labcorp Genetics (formerly Invitae), Labcorp
Classification: Uncertain significance. Last evaluated: 2022-03-27. Review status: criteria provided, single submitter. Criteria: Invitae Variant Classification Sherloc (09022015). Collection method: clinical testing. Allele origin: germline.
Comment: This sequence change replaces tryptophan, which is neutral and slightly polar, with glycine, which is neutral and non-polar, at codon 20 of the PLOD2 protein (p.Trp20Gly). This variant is present in population databases (rs142136061, gnomAD 0.008%). This variant has not been reported in the literature in individuals affected with PLOD2-related conditions. Algorithms developed to predict the effect of missense changes on protein structure and function (SIFT, PolyPhen-2, Align-GVGD) all suggest that this variant is likely to be tolerated. In summary, the available evidence is currently insufficient to determine the role of this variant in disease. Therefore, it has been classified as a Variant of Uncertain Significance.

NM_182943.3(PLOD2):c.58T>G (p.Trp20Gly)

Gene: PLOD2 (procollagen-lysine,2-oxoglutarate 5-dioxygenase 2; minus strand). Cytogenetic location: 3q24.
Variant type: single nucleotide variant.
Coding change: c.58T>G on transcript NM_182943.3 (MANE Select); coding-DNA position 58, T replaced by G.
Protein change: p.Trp20Gly; replaces tryptophan 20 with glycine.
Molecular consequence: missense variant.
Genome position (GRCh38, 1-based): chr3:146,160,932, A>C on the plus strand (T>G on the coding strand, the complement: PLOD2 is on the minus strand). VCF-style: chr3-146160932-A-C. GRCh37 (hg19) VCF-style: chr3-145878719-A-C.
Other names: c.58T>G, p.Trp20Gly (NM_000935.3); short protein forms W20G.
Identifiers: ClinVar variation 2071570 (VCV002071570.1), dbSNP rs142136061, ClinGen allele CA2655387.
Genomic context (GRCh38, chr3:146,160,932, plus strand): 5'-GGTGCTCACCTGTGGGGATGCTCGAGGGCTTCTCCGAGTCCGCACCCAGACAGGGATTCC[A>C]GGGGTGGAGGACGAGCGCCAGGAGCAGCAGCTGAGGCTTCACCGTGCATCCCCCCATATT-3'
Protein context (NP_891988.1, residues 10-30): LLLLALVLHP[Trp20Gly]NPCLGADSEK